The following is an entry in ClinVar:

NM_001004334.4(GPR179):c.3824A>C (p.Glu1275Ala)

Gene: GPR179 (G protein-coupled receptor 179; minus strand). Cytogenetic location: 17q12.
Variant type: single nucleotide variant.
Coding change: c.3824A>C on transcript NM_001004334.4 (MANE Select); coding-DNA position 3824, A replaced by C.
Protein change: p.Glu1275Ala; replaces glutamic acid 1275 with alanine.
Molecular consequence: missense variant.
Genome position (GRCh38, 1-based): chr17:38,329,745, T>G on the plus strand (A>C on the coding strand, the complement: GPR179 is on the minus strand). VCF-style: chr17-38329745-T-G. GRCh37 (hg19) VCF-style: chr17-36485628-T-G.
Other names: short protein forms E1275A.
Identifiers: ClinVar variation 1715138 (VCV001715138.5), dbSNP rs867930266, ClinGen allele CA398878444.
Genomic context (GRCh38, chr17:38,329,745, plus strand): 5'-CCCCGGGCCTCCCCTCTCTTTTTTTGGGAGTCACCTGGGTCTTGTCTTAGTGCCCTCGAC[T>G]CTGGGGCTCCTTCACTCGTCTCCCAGGGGCAGATTTCGGCCTTGTTGCCACTGTCTGGCT-3'
Protein context (NP_001004334.3, residues 1265-1285): CPWETSEGAP[Glu1275Ala]SRALRQDPGD

ClinVar aggregate classification (germline): Uncertain significance (1 of 4 stars; one submission).

Allele frequency attached by ClinVar (database versions not stated): gnomAD exomes below 0.00001.
gnomAD v4.1: 1 of 1,614,186 alleles (0.000062%); highest among the groups gnomAD compares: Non-Finnish European, 0.000085%; no homozygotes.

Submission:

Labcorp Genetics (formerly Invitae), Labcorp
Classification: Uncertain significance. Last evaluated: 2022-08-05. Review status: criteria provided, single submitter. Criteria: Invitae Variant Classification Sherloc (09022015). Collection method: clinical testing. Allele origin: germline.
Comment: In summary, the available evidence is currently insufficient to determine the role of this variant in disease. Therefore, it has been classified as a Variant of Uncertain Significance. Algorithms developed to predict the effect of missense changes on protein structure and function (SIFT, PolyPhen-2, Align-GVGD) all suggest that this variant is likely to be tolerated. This variant has not been reported in the literature in individuals affected with GPR179-related conditions. This variant is not present in population databases (gnomAD no frequency). This sequence change replaces glutamic acid, which is acidic and polar, with alanine, which is neutral and non-polar, at codon 1275 of the GPR179 protein (p.Glu1275Ala).